The following is an entry in ClinVar:

ClinVar aggregate classification (germline): Uncertain significance (1 of 4 stars; one submission).

Conditions:
Inborn genetic diseases. Identifiers: MedGen C0950123, MeSH D030342.

Submission:

Ambry Genetics
Classification: Uncertain significance for Inborn genetic diseases. Last evaluated: 2026-07-07. Review status: criteria provided, single submitter. Criteria: Ambry Variant Classification Scheme 2023. Collection method: clinical testing. Allele origin: germline.
Comment: The p.R396I variant (also known as c.1187G>T), located in coding exon 7 of the ETV6 gene, results from a G to T substitution at nucleotide position 1187. The arginine at codon 396 is replaced by isoleucine, an amino acid with similar properties. This amino acid position is conserved. In addition, this alteration is predicted to be deleterious by in silico analysis. Based on the available evidence, the clinical significance of this variant remains unclear.

NM_001987.5(ETV6):c.1187G>T (p.Arg396Ile)

Gene: ETV6 (ETS variant transcription factor 6; plus strand). Cytogenetic location: 12p13.2.
Variant type: single nucleotide variant.
Coding change: c.1187G>T on transcript NM_001987.5 (MANE Select); coding-DNA position 1187, G replaced by T.
Protein change: p.Arg396Ile; replaces arginine 396 with isoleucine.
Molecular consequence: missense variant. On other transcripts: intron variant (1).
Genome position (GRCh38, 1-based): chr12:11,885,960, G>T. VCF-style: chr12-11885960-G-T. GRCh37 (hg19) VCF-style: chr12-12038894-G-T.
Other names: c.1184G>T, p.Arg395Ile (NM_001413913.1); c.1160G>T, p.Arg387Ile (NM_001413914.1); c.923G>T, p.Arg308Ile (NM_001413915.1); c.1010-4981G>T (NM_001413917.1); short protein forms R308I, R396I, R387I, R395I.
Identifiers: ClinVar variation 5036187 (VCV005036187.1).